The following is an entry in ClinVar:

NM_001330.5(CTF1):c.274G>A (p.Ala92Thr)

Genes: CTF1 (cardiotrophin 1; plus strand), LOC130058878 (ATAC-STARR-seq lymphoblastoid silent region 7400; plus strand). Cytogenetic location: 16p11.2.
Variant type: single nucleotide variant.
Coding change: c.274G>A on transcript NM_001330.5 (MANE Select); coding-DNA position 274, G replaced by A.
Protein change: p.Ala92Thr; replaces alanine 92 with threonine.
Molecular consequence: missense variant. On other transcripts: non-coding transcript variant (1).
Genome position (GRCh38, 1-based): chr16:30,902,207, G>A. VCF-style: chr16-30902207-G-A. GRCh37 (hg19) VCF-style: chr16-30913528-G-A.
Other names: c.271G>A, p.Ala91Thr (NM_001142544.3); short protein forms A92T, A91T.
Identifiers: ClinVar variation 44177 (VCV000044177.16), dbSNP rs2234933, ClinGen allele CA133720.

ClinVar aggregate classification (germline): Conflicting classifications of pathogenicity. Review status: criteria provided, conflicting classifications (1 of 4 stars). 4 submissions from 4 submitters: Uncertain significance (2); Benign (2). Last evaluated 2025-12-24.

Allele frequency attached by ClinVar (database versions not stated): TOPMed 0.00014; 1000 Genomes Project 30x 0.00016; gnomAD exomes 0.00022; gnomAD 0.00059 and 0.00062.
gnomAD v4.1: 312 of 1,172,800 alleles (0.027%); highest among the groups gnomAD compares: Non-Finnish European, 0.02%; 1 homozygote.

Submissions (4):

Labcorp Genetics (formerly Invitae), Labcorp
Classification: Benign. Last evaluated: 2025-12-24. Review status: criteria provided, single submitter. Criteria: Invitae Variant Classification Sherloc (09022015). Collection method: clinical testing. Allele origin: germline.

Blueprint Genetics
Classification: Uncertain significance. Last evaluated: 2024-10-23. Review status: criteria provided, single submitter. Criteria: ACMG Guidelines, 2015. Collection method: clinical testing. Allele origin: germline.

Women's Health and Genetics/Laboratory Corporation of America, LabCorp
Classification: Benign. Last evaluated: 2022-06-16. Review status: criteria provided, single submitter. Criteria: LabCorp Variant Classification Summary - May 2015. Collection method: clinical testing. Allele origin: germline.
Comment: Variant summary: CTF1 c.274G>A (p.Ala92Thr) results in a non-conservative amino acid change in the encoded protein sequence. Four of five in-silico tools predict a benign effect of the variant on protein function. The variant allele was found at a frequency of 0.00059 in 147944 control chromosomes in the gnomAD v3.1.2 database, including 1 homozygote. The observed variant frequency is approximately 38-fold of the estimated maximal expected allele frequency for a pathogenic variant in CTF1 causing Dilated Cardiomyopathy phenotype (1.6e-05), strongly suggesting that the variant is benign. c.274G>A has been reported in the literature in individuals affected with Dilated Cardiomyopathy (Erdmann_2000, Akinrinade_2015). These reports do not provide unequivocal conclusions about association of the variant with Dilated Cardiomyopathy. To our knowledge, no experimental evidence demonstrating an impact on protein function has been reported. A ClinVar submitter (evaluation after 2014) cites the variant as uncertain significance, while another ClinVar submitter (evaluation after 2014) cites it as benign. Based on the evidence outlined above, the variant was classified as benign.

Laboratory for Molecular Medicine, Mass General Brigham Personalized Medicine
Classification: Uncertain significance. Last evaluated: 2012-06-06. Review status: criteria provided, single submitter. Criteria: LMM Criteria. Collection method: clinical testing. Allele origin: germline. Observed: 1 variant allele.
Comment: Variant classified as Uncertain Significance - Favor Benign. The Ala92Thr varian t in CTF1 has not been reported in the literature nor previously identified by o ur laboratory. This variant has been listed in dbSNP (rs2234933) without frequen cy information. Computational analyses (biochemical amino acid properties, conse rvation, AlignGVGD, PolyPhen2, and SIFT) suggest that this variant may not impac t the protein, though this information is not predictive enough to rule out path ogenicity. Additional information is needed to fully assess the clinical signifi cance of this variant.

Literature cited by the submitters: PubMed 11058912 (cited by Women's Health and Genetics/Laboratory Corporation of America, LabCorp and Laboratory for Molecular Medicine, Mass General Brigham Personalized Medicine); PubMed 26084686 (cited by Women's Health and Genetics/Laboratory Corporation of America, LabCorp).